The following is an entry in ClinVar:

NM_033131.4(WNT3A):c.1007A>C (p.Tyr336Ser)

Gene: WNT3A (Wnt family member 3A; plus strand). Cytogenetic location: 1q42.13.
Variant type: single nucleotide variant.
Coding change: c.1007A>C on transcript NM_033131.4 (MANE Select); coding-DNA position 1007, A replaced by C.
Protein change: p.Tyr336Ser; replaces tyrosine 336 with serine.
Molecular consequence: missense variant.
Genome position (GRCh38, 1-based): chr1:228,059,413, A>C. VCF-style: chr1-228059413-A-C. GRCh37 (hg19) VCF-style: chr1-228247114-A-C.
Other names: short protein forms Y336S.
Identifiers: ClinVar variation 2133655 (VCV002133655.4), dbSNP rs2464500755, ClinGen allele CA345337391.
Genomic context (GRCh38, chr1:228,059,413, plus strand): 5'-ACAACGCGCGAGCGGAGCGGCGCCGGGAGAAGTGCCGCTGCGTGTTCCACTGGTGCTGCT[A>C]CGTCAGCTGCCAGGAGTGCACGCGCGTCTACGACGTGCACACCTGCAAGTAGGCACCGGC-3'
Protein context (NP_149122.1, residues 326-346): KCRCVFHWCC[Tyr336Ser]VSCQECTRVY

ClinVar aggregate classification (germline): Uncertain significance (1 of 4 stars; one submission).

Allele frequency attached by ClinVar (database versions not stated): gnomAD exomes below 0.00001.
gnomAD v4.1: 1 of 1,552,468 alleles (0.000064%); highest among the groups gnomAD compares: Non-Finnish European, 0.000087%; no homozygotes.

Submission:

Labcorp Genetics (formerly Invitae), Labcorp
Classification: Uncertain significance. Last evaluated: 2022-05-04. Review status: criteria provided, single submitter. Criteria: Invitae Variant Classification Sherloc (09022015). Collection method: clinical testing. Allele origin: germline.
Comment: In summary, the available evidence is currently insufficient to determine the role of this variant in disease. Therefore, it has been classified as a Variant of Uncertain Significance. Algorithms developed to predict the effect of missense changes on protein structure and function are either unavailable or do not agree on the potential impact of this missense change (SIFT: "Deleterious"; PolyPhen-2: "Possibly Damaging"; Align-GVGD: "Class C0"). This variant has not been reported in the literature in individuals affected with WNT3A-related conditions. This variant is not present in population databases (gnomAD no frequency). This sequence change replaces tyrosine, which is neutral and polar, with serine, which is neutral and polar, at codon 336 of the WNT3A protein (p.Tyr336Ser).